The following is an entry in ClinVar:

ClinVar aggregate classification (germline): Conflicting classifications of pathogenicity. Review status: criteria provided, conflicting classifications (1 of 4 stars). 2 submissions from 2 submitters: Uncertain significance (1); Likely benign (1). Last evaluated 2023-06-19.

Conditions:
Deficiency of hydroxymethylglutaryl-CoA lyase (HMGCLD). Also called: HMG-CoA LYASE DEFICIENCY; HMGCL DEFICIENCY; HYDROXYMETHYLGLUTARIC ACIDURIA; Defect in leucine metabolism; 3-hydroxy-3-methylglutaric aciduria. Identifiers: Orphanet 20, MedGen C1533587, MONDO:0009520, OMIM 246450.

Allele frequency attached by ClinVar (database versions not stated): gnomAD 0.00001; TOPMed 0.00001; gnomAD exomes 0.00002; ExAC 0.00003; ESP Exome Variant Server 0.00008.

Submissions (2):

Blueprint Genetics
Classification: Likely benign. Last evaluated: 2023-06-19. Review status: criteria provided, single submitter. Criteria: ACMG Guidelines, 2015. Collection method: clinical testing. Allele origin: germline.

Labcorp Genetics (formerly Invitae), Labcorp
Classification: Uncertain significance for Deficiency of hydroxymethylglutaryl-CoA lyase. Last evaluated: 2022-05-03. Review status: criteria provided, single submitter. Criteria: Invitae Variant Classification Sherloc (09022015). Collection method: clinical testing. Allele origin: germline.
Comment: This sequence change replaces asparagine, which is neutral and polar, with serine, which is neutral and polar, at codon 161 of the HMGCL protein (p.Asn161Ser). This variant is present in population databases (rs140572587, gnomAD 0.008%). This variant has not been reported in the literature in individuals affected with HMGCL-related conditions. Algorithms developed to predict the effect of missense changes on protein structure and function output the following: SIFT: "Tolerated"; PolyPhen-2: "Benign"; Align-GVGD: "Class C0". The serine amino acid residue is found in multiple mammalian species, which suggests that this missense change does not adversely affect protein function. In summary, the available evidence is currently insufficient to determine the role of this variant in disease. Therefore, it has been classified as a Variant of Uncertain Significance.

NM_000191.3(HMGCL):c.482A>G (p.Asn161Ser)

Gene: HMGCL (3-hydroxy-3-methylglutaryl-CoA lyase; minus strand). Cytogenetic location: 1p36.11.
Variant type: single nucleotide variant.
Coding change: c.482A>G on transcript NM_000191.3 (MANE Select); coding-DNA position 482, A replaced by G.
Protein change: p.Asn161Ser; replaces asparagine 161 with serine.
Molecular consequence: missense variant. On other transcripts: intron variant (1).
Genome position (GRCh38, 1-based): chr1:23,814,205, T>C on the plus strand (A>G on the coding strand, the complement: HMGCL is on the minus strand). VCF-style: chr1-23814205-T-C. GRCh37 (hg19) VCF-style: chr1-24140695-T-C.
Other names: c.348+2470A>G (NM_001166059.2); short protein forms N161S.
Identifiers: ClinVar variation 2162486 (VCV002162486.2), dbSNP rs140572587, ClinGen allele CA686093.
Genomic context (GRCh38, chr1:23,814,205, plus strand): 5'-TCCAGAACGGTACAGAGGAAAGGATACCAATGTGCTCTGACTCACCCCCGCACAGAAATA[T>C]TGGCTGACTGCGCTGCCTTCAGGATTGCGTCAAACCTCTGAAAACTCTCCTCTATGGAAC-3'
Protein context (NP_000182.2, residues 151-171): DAILKAAQSA[Asn161Ser]ISVRGYVSCA